The following is an entry in ClinVar:

NM_182641.4(BPTF):c.4360T>C (p.Ser1454Pro)

Gene: BPTF (bromodomain PHD finger transcription factor; plus strand). Cytogenetic location: 17q24.2.
Variant type: single nucleotide variant.
Coding change: c.4360T>C on transcript NM_182641.4 (MANE Select); coding-DNA position 4360, T replaced by C.
Protein change: p.Ser1454Pro; replaces serine 1454 with proline.
Molecular consequence: missense variant.
Genome position (GRCh38, 1-based): chr17:67,912,244, T>C. VCF-style: chr17-67912244-T-C. GRCh37 (hg19) VCF-style: chr17-65908360-T-C.
Other names: c.4738T>C, p.Ser1580Pro (NM_004459.7); short protein forms S1454P, S1580P.
Identifiers: ClinVar variation 3061197 (VCV003061197.2), dbSNP rs2511484618, ClinGen allele CA400729376.

ClinVar aggregate classification (germline): Uncertain significance (0 of 4 stars; one submission).

Conditions:
BPTF-related disorder. Also called: BPTF-related condition.

Submission:

PreventionGenetics, part of Exact Sciences
Classification: Uncertain significance for BPTF-related condition. Last evaluated: 2024-02-02. Review status: no assertion criteria provided. Collection method: clinical testing. Allele origin: germline.
Comment: The BPTF c.4360T>C variant is predicted to result in the amino acid substitution p.Ser1454Pro. To our knowledge, this variant has not been reported in the literature or in a large population database, indicating this variant is rare. At this time, the clinical significance of this variant is uncertain due to the absence of conclusive functional and genetic evidence.